The following is an entry in ClinVar:

NM_000152.5(GAA):c.2488G>C (p.Gly830Arg)

Gene: GAA (alpha glucosidase; plus strand). Cytogenetic location: 17q25.3.
Variant type: single nucleotide variant.
Coding change: c.2488G>C on transcript NM_000152.5 (MANE Select); coding-DNA position 2488, G replaced by C.
Protein change: p.Gly830Arg; replaces glycine 830 with arginine.
Molecular consequence: missense variant.
Genome position (GRCh38, 1-based): chr17:80,118,199, G>C. VCF-style: chr17-80118199-G-C. GRCh37 (hg19) VCF-style: chr17-78091998-G-C.
Other names: c.2488G>C (LRG_673t1); c.2488G>C, p.Gly830Arg (NM_001079803.3, NM_001079804.3); short protein forms G830R.
Identifiers: ClinVar variation 645194 (VCV000645194.7), dbSNP rs1598593166, ClinGen allele CA401325955.
Genomic context (GRCh38, chr17:80,118,199, plus strand): 5'-CCTCCACCTCCACCAGGGTGGGGATGATGACATCACGTGTCCTTCCCTTTCCAGGGCCCT[G>C]GCCTCACAACCACAGAGTCCCGCCAGCAGCCCATGGCCCTGGCTGTGGCCCTGACCAAGG-3'
Protein context (NP_000143.2, residues 820-840): AGYIIPLQGP[Gly830Arg]LTTTESRQQP

ClinVar aggregate classification (germline): Uncertain significance (1 of 4 stars; one submission).

Conditions:
Glycogen storage disease, type II (IOPD). Also called: Pompe Disease; Glucosidase acid-1,4-alpha deficiency; GLYCOGENOSIS, GENERALIZED, CARDIAC FORM; GSD II; POMPE DISEASE, INFANTILE-ONSET; GLYCOGEN STORAGE DISEASE II, INFANTILE-ONSET. Identifiers: Orphanet 365, MedGen C0017921, MONDO:0009290, OMIM 232300.

Submission:

Labcorp Genetics (formerly Invitae), Labcorp
Classification: Uncertain significance for Glycogen storage disease, type II. Last evaluated: 2026-01-11. Review status: criteria provided, single submitter. Criteria: Invitae Variant Classification Sherloc (09022015). Collection method: clinical testing. Allele origin: germline.
Comment: This sequence change replaces glycine, which is neutral and non-polar, with arginine, which is basic and polar, at codon 830 of the GAA protein (p.Gly830Arg). This variant is not present in population databases (gnomAD no frequency). This variant has not been reported in the literature in individuals affected with GAA-related conditions. ClinVar contains an entry for this variant (Variation ID: 645194). Invitae Evidence Modeling of protein sequence and biophysical properties (such as structural, functional, and spatial information, amino acid conservation, physicochemical variation, residue mobility, and thermodynamic stability) has been performed for this missense variant. However, the output from this modeling did not meet the statistical confidence thresholds required to predict the impact of this variant on GAA protein function. In summary, the available evidence is currently insufficient to determine the role of this variant in disease. Therefore, it has been classified as a Variant of Uncertain Significance.